The following is an entry in ClinVar:

NM_002075.4(GNB3):c.931C>A (p.His311Asn)

Genes: CDCA3 (cell division cycle associated 3; minus strand), GNB3 (G protein subunit beta 3; plus strand). Cytogenetic location: 12p13.31.
Variant type: single nucleotide variant.
Coding change: c.931C>A on transcript NM_002075.4 (MANE Select); coding-DNA position 931, C replaced by A.
Protein change: p.His311Asn; replaces histidine 311 with asparagine.
Molecular consequence: missense variant. On other transcripts: synonymous variant (1).
Genome position (GRCh38, 1-based): chr12:6,846,806, C>A. VCF-style: chr12-6846806-C-A. GRCh37 (hg19) VCF-style: chr12-6955970-C-A.
Other names: c.928C>A, p.His310Asn (NM_001297571.2); c.642G>T, p.Val214= (NM_001297603.3); short protein forms H310N, H311N.
Identifiers: ClinVar variation 860366 (VCV000860366.48), dbSNP rs1555124837, ClinGen allele CA383675915.

ClinVar aggregate classification (germline): Uncertain significance (1 of 4 stars; one submission).

Submission:

Labcorp Genetics (formerly Invitae), Labcorp
Classification: Uncertain significance. Last evaluated: 2022-07-19. Review status: criteria provided, single submitter. Criteria: Invitae Variant Classification Sherloc (09022015). Collection method: clinical testing. Allele origin: germline.
Comment: Algorithms developed to predict the effect of missense changes on protein structure and function (SIFT, PolyPhen-2, Align-GVGD) all suggest that this variant is likely to be disruptive. In summary, the available evidence is currently insufficient to determine the role of this variant in disease. Therefore, it has been classified as a Variant of Uncertain Significance. ClinVar contains an entry for this variant (Variation ID: 860366). This variant has not been reported in the literature in individuals affected with GNB3-related conditions. This variant is not present in population databases (gnomAD no frequency). This sequence change replaces histidine, which is basic and polar, with asparagine, which is neutral and polar, at codon 311 of the GNB3 protein (p.His311Asn).